The following is an entry in ClinVar:

NM_001127222.2(CACNA1A):c.2621C>T (p.Ser874Leu)

Gene: CACNA1A (calcium voltage-gated channel subunit alpha1 A; minus strand). Cytogenetic location: 19p13.13.
Variant type: single nucleotide variant.
Coding change: c.2621C>T on transcript NM_001127222.2 (MANE Select); coding-DNA position 2621, C replaced by T.
Protein change: p.Ser874Leu; replaces serine 874 with leucine.
Molecular consequence: missense variant.
Genome position (GRCh38, 1-based): chr19:13,299,012, G>A on the plus strand (C>T on the coding strand, the complement: CACNA1A is on the minus strand). VCF-style: chr19-13299012-G-A. GRCh37 (hg19) VCF-style: chr19-13409826-G-A.
Other names: c.2633C>T, p.Ser878Leu (NM_000068.4, NM_023035.3); c.2624C>T, p.Ser875Leu (NM_001127221.2, NM_001174080.2); short protein forms S875L, S874L, S878L.
Identifiers: ClinVar variation 387488 (VCV000387488.9), dbSNP rs1057522802, ClinGen allele CA16608926.

ClinVar aggregate classification (germline): Uncertain significance. Review status: criteria provided, multiple submitters, no conflicts (2 of 4 stars). 3 submissions from 3 submitters: Uncertain significance (3). Last evaluated 2025-05-08.

Conditions:
Episodic ataxia type 2 (EA2). Also called: ATAXIA, EPISODIC, WITH NYSTAGMUS; ATAXIA, FAMILIAL PAROXYSMAL; CEREBELLAR ATAXIA, PAROXYSMAL, ACETAZOLAMIDE-RESPONSIVE; CEREBELLOPATHY, HEREDITARY PAROXYSMAL; ACETAZOLAMIDE-RESPONSIVE HEREDITARY PAROXYSMAL CEREBELLAR ATAXIA; EPISODIC ATAXIA, NYSTAGMUS-ASSOCIATED. Identifiers: Orphanet 97, MedGen C1720416, MONDO:0007163, OMIM 108500.
Developmental and epileptic encephalopathy, 42 (DEE42A). Also called: DEVELOPMENTAL AND EPILEPTIC ENCEPHALOPATHY 42A; EPILEPTIC ENCEPHALOPATHY, EARLY INFANTILE, 42A; Epileptic encephalopathy, early infantile, 42. Identifiers: MedGen C4310716, MONDO:0014917, OMIM 617106.

Allele frequency attached by ClinVar (database versions not stated): gnomAD exomes below 0.00001; TOPMed 0.00001.
gnomAD v4.1: 2 of 1,586,596 alleles (0.00013%); highest among the groups gnomAD compares: African/African-American, 0.0013%; no homozygotes.

Submissions (3):

Labcorp Genetics (formerly Invitae), Labcorp
Classification: Uncertain significance for Developmental and epileptic encephalopathy, 42; Episodic ataxia type 2. Last evaluated: 2025-05-08. Review status: criteria provided, single submitter. Criteria: Invitae Variant Classification Sherloc (09022015). Collection method: clinical testing. Allele origin: germline.
Comment: This sequence change replaces serine, which is neutral and polar, with leucine, which is neutral and non-polar, at codon 875 of the CACNA1A protein (p.Ser875Leu). This variant is not present in population databases (gnomAD no frequency). This variant has not been reported in the literature in individuals affected with CACNA1A-related conditions. ClinVar contains an entry for this variant (Variation ID: 387488). Invitae Evidence Modeling of protein sequence and biophysical properties (such as structural, functional, and spatial information, amino acid conservation, physicochemical variation, residue mobility, and thermodynamic stability) indicates that this missense variant is not expected to disrupt CACNA1A protein function with a negative predictive value of 95%. In summary, the available evidence is currently insufficient to determine the role of this variant in disease. Therefore, it has been classified as a Variant of Uncertain Significance.

GeneDx
Classification: Uncertain significance. Last evaluated: 2024-08-16. Review status: criteria provided, single submitter. Criteria: GeneDx Variant Classification Process June 2021. Collection method: clinical testing. Allele origin: germline. Affected: yes.
Comment: Not observed at significant frequency in large population cohorts (gnomAD); In silico analysis indicates that this missense variant does not alter protein structure/function; Has not been previously published as pathogenic or benign to our knowledge

Baylor Genetics
Classification: Uncertain significance for Developmental and epileptic encephalopathy, 42. Last evaluated: 2019-03-27. Review status: criteria provided, single submitter. Criteria: ACMG Guidelines, 2015. Collection method: clinical testing. Allele origin: paternal. Affected: yes.
Comment: This variant was determined to be of uncertain significance according to ACMG Guidelines, 2015 [PMID:25741868].